The following is an entry in ClinVar:

ClinVar aggregate classification (germline): Conflicting classifications of pathogenicity. Review status: criteria provided, conflicting classifications (1 of 4 stars). 3 submissions from 3 submitters: Uncertain significance (2); Likely benign (1). Last evaluated 2023-05-16.

Conditions:
Hereditary cancer-predisposing syndrome. Also called: Tumor predisposition; Neoplastic Syndromes, Hereditary; Hereditary Cancer Syndrome; Hereditary neoplastic syndrome. Identifiers: Orphanet 140162, MedGen C0027672, MeSH D009386, MONDO:0015356.
Breast-ovarian cancer, familial, susceptibility to, 2 (BROVCA2). Also called: BRCA2 Hereditary Breast and Ovarian Cancer. Identifiers: Orphanet 145, MedGen C2675520, MONDO:0012933, OMIM 612555. Disease mechanism: loss of function.

Allele frequency attached by ClinVar (database versions not stated): gnomAD exomes below 0.00001.

Submissions (3):

All of Us Research Program, National Institutes of Health
Classification: Uncertain significance for Breast-ovarian cancer, familial, susceptibility to, 2. Last evaluated: 2023-05-16. Review status: criteria provided, single submitter. Criteria: ACMG Guidelines, 2015. Collection method: clinical testing. Allele origin: germline. Inheritance: Autosomal dominant inheritance. Observed: 1 variant allele, 1 heterozygote.
Comment: This missense variant replaces lysine with arginine at codon 1191 of the BRCA2 protein. Computational prediction suggests that this variant may not impact protein structure and function (internally defined REVEL score threshold <= 0.5, PMID: 27666373). To our knowledge, functional studies have not been reported for this variant. This variant has not been reported in individuals affected with hereditary cancer in the literature and has been reported in 1 unaffected individual (PMID: 33471991). This variant has not been identified in the general population by the Genome Aggregation Database (gnomAD). The available evidence is insufficient to determine the role of this variant in disease conclusively. Therefore, this variant is classified as a Variant of Uncertain Significance.

This study involves interpretation of variants in research participants for the purpose of population health screening. Participant phenotype was not available at the time of variant classification. Additional details can be found in publication PMID: 35346344, PMCID: PMC8962531

University of Washington Department of Laboratory Medicine, University of Washington
Classification: Likely benign for Hereditary cancer-predisposing syndrome. Last evaluated: 2023-03-23. Review status: criteria provided, single submitter. Criteria: Dines et al. (Genet Med. 2020). Collection method: curation. Allele origin: germline.
Comment: Missense variant in a coldspot region where missense variants are very unlikely to be pathogenic (PMID:31911673).

BRCA2 exon 11 coldspot. Reclassification based on statistical prior probability.

Ambry Genetics
Classification: Uncertain significance for Hereditary cancer-predisposing syndrome. Last evaluated: 2016-04-19. Review status: criteria provided, single submitter. Criteria: Ambry Variant Classification Scheme 2023. Collection method: clinical testing. Allele origin: germline.
Comment: The p.K1191R variant (also known as c.3572A>G), located in coding exon 10 of the BRCA2 gene, results from an A to G substitution at nucleotide position 3572. The lysine at codon 1191 is replaced by arginine, an amino acid with highly similar properties. This variant was not reported in population based cohorts in the following databases: Database of Single Nucleotide Polymorphisms (dbSNP), NHLBI Exome Sequencing Project (ESP), and 1000 Genomes Project. In the ESP, this variant was not observed in 6503 samples (13006 alleles) with coverage at this position. To date, this alteration has been detected with an allele frequency of approximately 0.0003% (greater than 300000 alleles tested) in our clinical cohort. This amino acid position is not well conserved in available vertebrate species. In addition, this alteration is predicted to be tolerated by in silico analysis. Since supporting evidence is limited at this time, the clinical significance of this alteration remains unclear.

Literature cited by the submitters: PubMed 33471991 (cited by All of Us Research Program, National Institutes of Health).

NM_000059.4(BRCA2):c.3572A>G (p.Lys1191Arg)

Gene: BRCA2 (BRCA2 DNA repair associated; plus strand). Cytogenetic location: 13q13.1.
Variant type: single nucleotide variant.
Coding change: c.3572A>G on transcript NM_000059.4 (MANE Select); coding-DNA position 3572, A replaced by G.
Protein change: p.Lys1191Arg; replaces lysine 1191 with arginine.
Molecular consequence: missense variant.
Genome position (GRCh38, 1-based): chr13:32,337,927, A>G. VCF-style: chr13-32337927-A-G. GRCh37 (hg19) VCF-style: chr13-32912064-A-G.
Other names: short protein forms K1191R.
Identifiers: ClinVar variation 479313 (VCV000479313.8), dbSNP rs1555283292, ClinGen allele CA387777339.